The following is an entry in ClinVar:

ClinVar aggregate classification (germline): Uncertain significance (1 of 4 stars; one submission).

Conditions:
GLUT1 deficiency syndrome 1, autosomal recessive. Identifiers: MedGen C3149117.

Allele frequency attached by ClinVar (database versions not stated): ExAC 0.00001; gnomAD 0.00001; gnomAD exomes 0.00001 and 0.00002.
gnomAD v4.1: 24 of 1,611,986 alleles (0.0015%); highest among the groups gnomAD compares: East Asian, 0.0022%; 1 homozygote.

Submission:

Labcorp Genetics (formerly Invitae), Labcorp
Classification: Uncertain significance for GLUT1 deficiency syndrome 1, autosomal recessive. Last evaluated: 2025-10-09. Review status: criteria provided, single submitter. Criteria: Invitae Variant Classification Sherloc (09022015). Collection method: clinical testing. Allele origin: germline.
Comment: This sequence change replaces valine, which is neutral and non-polar, with isoleucine, which is neutral and non-polar, at codon 166 of the SLC2A1 protein (p.Val166Ile). This variant is present in population databases (rs770867924, gnomAD 0.003%). This variant has not been reported in the literature in individuals affected with SLC2A1-related conditions. ClinVar contains an entry for this variant (Variation ID: 1512362). Invitae Evidence Modeling incorporating data from in vitro experimental studies (internal data) indicates that this missense variant is not expected to disrupt SLC2A1 function with a negative predictive value of 80%. In summary, the available evidence is currently insufficient to determine the role of this variant in disease. Therefore, it has been classified as a Variant of Uncertain Significance.

NM_006516.4(SLC2A1):c.496G>A (p.Val166Ile)

Gene: SLC2A1 (solute carrier family 2 member 1; minus strand). Cytogenetic location: 1p34.2.
Variant type: single nucleotide variant.
Coding change: c.496G>A on transcript NM_006516.4 (MANE Select); coding-DNA position 496, G replaced by A.
Protein change: p.Val166Ile; replaces valine 166 with isoleucine.
Molecular consequence: missense variant.
Genome position (GRCh38, 1-based): chr1:42,930,646, C>T on the plus strand (G>A on the coding strand, the complement: SLC2A1 is on the minus strand). VCF-style: chr1-42930646-C-T. GRCh37 (hg19) VCF-style: chr1-43396317-C-T.
Other names: short protein forms V166I.
Identifiers: ClinVar variation 1512362 (VCV001512362.6), dbSNP rs770867924, ClinGen allele CA803539.
Genomic context (GRCh38, chr1:42,930,646, plus strand): 5'-CAGGGGCCGTGCCAGGCAGGTAGATCCTGCCCCAGCTTACCTGGGCGATGAGGATGCCGA[C>T]GACGATGCCCAGCTGGTGCAGGGTGCCCAGGGCCCCACGAAGGGCTGTGGGTGACACTTC-3'
Protein context (NP_006507.2, residues 156-176): LGTLHQLGIV[Val166Ile]GILIAQVFGL